The following is an entry in ClinVar:

ClinVar aggregate classification (germline): Uncertain significance (1 of 4 stars; one submission).

Conditions:
Immunodeficiency, common variable, 4. Also called: ANTIBODY DEFICIENCY DUE TO BAFFR DEFECT. Identifiers: Orphanet 1572, Orphanet 696925, MedGen C3150739, MONDO:0013284, OMIM 613494.

Submission:

Labcorp Genetics (formerly Invitae), Labcorp
Classification: Uncertain significance for Immunodeficiency, common variable, 4. Last evaluated: 2023-08-29. Review status: criteria provided, single submitter. Criteria: Invitae Variant Classification Sherloc (09022015). Collection method: clinical testing. Allele origin: germline.
Comment: This variant is not present in population databases (gnomAD no frequency). This variant has not been reported in the literature in individuals affected with TNFRSF13C-related conditions. An algorithm developed to predict the effect of missense changes on protein structure and function (PolyPhen-2) suggests that this variant is likely to be tolerated. In summary, the available evidence is currently insufficient to determine the role of this variant in disease. Therefore, it has been classified as a Variant of Uncertain Significance. This sequence change replaces valine, which is neutral and non-polar, with isoleucine, which is neutral and non-polar, at codon 29 of the TNFRSF13C protein (p.Val29Ile).

NM_052945.4(TNFRSF13C):c.85G>A (p.Val29Ile)

Genes: TNFRSF13C (TNF receptor superfamily member 13C; minus strand), LOC130067574 (ATAC-STARR-seq lymphoblastoid silent region 13813; plus strand). Cytogenetic location: 22q13.2.
Variant type: single nucleotide variant.
Coding change: c.85G>A on transcript NM_052945.4 (MANE Select); coding-DNA position 85, G replaced by A.
Protein change: p.Val29Ile; replaces valine 29 with isoleucine.
Molecular consequence: missense variant.
Genome position (GRCh38, 1-based): chr22:41,926,689, C>T on the plus strand (G>A on the coding strand, the complement: TNFRSF13C is on the minus strand). VCF-style: chr22-41926689-C-T. GRCh37 (hg19) VCF-style: chr22-42322693-C-T.
Other names: short protein forms V29I.
Identifiers: ClinVar variation 2756340 (VCV002756340.3), dbSNP rs2518792027, ClinGen allele CA411763657.